The following is an entry in ClinVar:

NM_001395656.1(ROBO2):c.2282G>A (p.Ser761Asn)

Gene: ROBO2 (roundabout guidance receptor 2; plus strand). Cytogenetic location: 3p12.3.
Variant type: single nucleotide variant.
Coding change: c.2282G>A on transcript NM_001395656.1 (MANE Select); coding-DNA position 2282, G replaced by A.
Protein change: p.Ser761Asn; replaces serine 761 with asparagine.
Molecular consequence: missense variant.
Genome position (GRCh38, 1-based): chr3:77,577,556, G>A. VCF-style: chr3-77577556-G-A. GRCh37 (hg19) VCF-style: chr3-77626707-G-A.
Other names: c.2270G>A, p.Ser757Asn (NM_002942.5, NM_001378193.1, NM_001378197.1); c.2282G>A, p.Ser761Asn (NM_001290040.2, NM_001290039.2, NM_001378202.1); c.491G>A, p.Ser164Asn (NM_001290065.2); c.2330G>A, p.Ser777Asn (NM_001378190.1, NM_001378191.1, NM_001378195.1 and 4 more transcripts); c.2351G>A, p.Ser784Asn (NM_001378192.1, NM_001378194.1, NM_001394213.1 and 2 more transcripts); c.2339G>A, p.Ser780Asn (NM_001395657.1, NM_001394214.1, NM_001394212.1); c.2318G>A, p.Ser773Asn (NM_001128929.3); short protein forms S164N, S761N, S784N, S757N, S773N, S777N, S780N.
Identifiers: ClinVar variation 2796393 (VCV002796393.3), dbSNP rs774839752, ClinGen allele CA2497285.
Genomic context (GRCh38, chr3:77,577,556, plus strand): 5'-GTGCCCCACCACAGTCTGTCACTGTACTGACAGTTGGAAGCTACAATAGCACAAGTATTA[G>A]TGTTTCCTGGGATCCTCCTCCTCCAGATCACCAGAATGGAATTATCCAAGAATACAAGGT-3'
Protein context (NP_001382585.1, residues 751-771): TVGSYNSTSI[Ser761Asn]VSWDPPPPDH

ClinVar aggregate classification (germline): Uncertain significance (1 of 4 stars; one submission).

Allele frequency attached by ClinVar (database versions not stated): gnomAD exomes below 0.00001; ExAC 0.00001; gnomAD 0.00001.
gnomAD v4.1: 2 of 1,613,238 alleles (0.00012%); highest among the groups gnomAD compares: Admixed American, 0.0017%; no homozygotes.

Submission:

Labcorp Genetics (formerly Invitae), Labcorp
Classification: Uncertain significance. Last evaluated: 2023-05-26. Review status: criteria provided, single submitter. Criteria: Invitae Variant Classification Sherloc (09022015). Collection method: clinical testing. Allele origin: germline.
Comment: Advanced modeling of protein sequence and biophysical properties (such as structural, functional, and spatial information, amino acid conservation, physicochemical variation, residue mobility, and thermodynamic stability) performed at Invitae indicates that this missense variant is not expected to disrupt ROBO2 protein function. In summary, the available evidence is currently insufficient to determine the role of this variant in disease. Therefore, it has been classified as a Variant of Uncertain Significance. This variant has not been reported in the literature in individuals affected with ROBO2-related conditions. This variant is present in population databases (rs774839752, gnomAD 0.003%). This sequence change replaces serine, which is neutral and polar, with asparagine, which is neutral and polar, at codon 757 of the ROBO2 protein (p.Ser757Asn).